The following is an entry in ClinVar:

NM_032444.4(SLX4):c.4975C>T (p.Pro1659Ser)

Gene: SLX4 (SLX4 structure-specific endonuclease subunit; minus strand). Cytogenetic location: 16p13.3.
Variant type: single nucleotide variant.
Coding change: c.4975C>T on transcript NM_032444.4 (MANE Select); coding-DNA position 4975, C replaced by T.
Protein change: p.Pro1659Ser; replaces proline 1659 with serine.
Molecular consequence: missense variant.
Genome position (GRCh38, 1-based): chr16:3,583,275, G>A on the plus strand (C>T on the coding strand, the complement: SLX4 is on the minus strand). VCF-style: chr16-3583275-G-A. GRCh37 (hg19) VCF-style: chr16-3633276-G-A.
Other names: short protein forms P1659S.
Identifiers: ClinVar variation 1982342 (VCV001982342.4), dbSNP rs2151116689, ClinGen allele CA394514996.

ClinVar aggregate classification (germline): Uncertain significance (1 of 4 stars; one submission).

Conditions:
Fanconi anemia (FA). Also called: Fanconi's anemia. Identifiers: Orphanet 84, MedGen C0015625, MeSH D005199, MONDO:0019391.

Allele frequency attached by ClinVar (database versions not stated): gnomAD exomes below 0.00001.
gnomAD v4.1: 1 of 1,614,196 alleles (0.000062%); highest among the groups gnomAD compares: Non-Finnish European, 0.000085%; no homozygotes.

Submission:

Labcorp Genetics (formerly Invitae), Labcorp
Classification: Uncertain significance for Fanconi anemia. Last evaluated: 2022-10-11. Review status: criteria provided, single submitter. Criteria: Invitae Variant Classification Sherloc (09022015). Collection method: clinical testing. Allele origin: germline.
Comment: In summary, the available evidence is currently insufficient to determine the role of this variant in disease. Therefore, it has been classified as a Variant of Uncertain Significance. Algorithms developed to predict the effect of missense changes on protein structure and function output the following: SIFT: "Tolerated"; PolyPhen-2: "Benign"; Align-GVGD: "Class C0". The serine amino acid residue is found in multiple mammalian species, which suggests that this missense change does not adversely affect protein function. This variant has not been reported in the literature in individuals affected with SLX4-related conditions. This variant is not present in population databases (gnomAD no frequency). This sequence change replaces proline, which is neutral and non-polar, with serine, which is neutral and polar, at codon 1659 of the SLX4 protein (p.Pro1659Ser).